The following is an entry in ClinVar:

ClinVar aggregate classification (germline): Pathogenic (1 of 4 stars; one submission).

Submission:

Labcorp Genetics (formerly Invitae), Labcorp
Classification: Pathogenic. Last evaluated: 2023-12-19. Review status: criteria provided, single submitter. Criteria: Invitae Variant Classification Sherloc (09022015). Collection method: clinical testing. Allele origin: unknown.
Comment: This variant is a gross deletion of the genomic region encompassing exon(s) 12 of the TSPEAR gene, which includes the termination codon. This deletion extends beyond the assayed region for this gene and therefore may encompass additional genes. While this deletion is not anticipated to lead to nonsense mediated decay, it is expected to alter mRNA translation or result in a truncated protein product. This variant has not been reported in the literature in individuals affected with TSPEAR-related conditions. This variant disrupts a region of the TSPEAR protein in which other variant(s) (p.Phe626Ser) have been determined to be pathogenic (PMID: 30046887; Invitae). This suggests that this is a clinically significant region of the protein, and that variants that disrupt it are likely to be disease-causing. For these reasons, this variant has been classified as Pathogenic.

Literature cited by the submitters: PubMed 30046887.

NC_000021.8:g.(?_45919666)_(45919839_?)del

Gene: TSPEAR (thrombospondin type laminin G domain and EAR repeats; minus strand). Cytogenetic location: 21q22.3.
Variant type: Deletion.
Identifiers: ClinVar variation 3248214 (VCV003248214.1).